The following is an entry in ClinVar:

ClinVar aggregate classification (germline): Uncertain significance. Review status: criteria provided, multiple submitters, no conflicts (2 of 4 stars). 2 submissions from 2 submitters: Uncertain significance (2). Last evaluated 2024-12-10.

Allele frequency attached by ClinVar (database versions not stated): ExAC 0.00001; gnomAD 0.00001; TOPMed 0.00001.
gnomAD v4.1: 26 of 1,613,958 alleles (0.0016%); highest among the groups gnomAD compares: Non-Finnish European, 0.0019%; no homozygotes.

Submissions (2):

Ambry Genetics
Classification: Uncertain significance. Last evaluated: 2024-12-10. Review status: criteria provided, single submitter. Criteria: Ambry Variant Classification Scheme 2023. Collection method: clinical testing. Allele origin: germline.

Labcorp Genetics (formerly Invitae), Labcorp
Classification: Uncertain significance. Last evaluated: 2024-06-05. Review status: criteria provided, single submitter. Criteria: Invitae Variant Classification Sherloc (09022015). Collection method: clinical testing. Allele origin: germline.
Comment: This sequence change replaces arginine, which is basic and polar, with tryptophan, which is neutral and slightly polar, at codon 144 of the POLD2 protein (p.Arg144Trp). This variant is present in population databases (rs753264722, gnomAD 0.0009%). This variant has not been reported in the literature in individuals affected with POLD2-related conditions. Experimental studies and prediction algorithms are not available or were not evaluated, and the functional significance of this variant is currently unknown. In summary, the available evidence is currently insufficient to determine the role of this variant in disease. Therefore, it has been classified as a Variant of Uncertain Significance.

NM_006230.4(POLD2):c.325C>T (p.Arg109Trp)

Gene: POLD2 (DNA polymerase delta 2, accessory subunit; minus strand). Cytogenetic location: 7p13.
Variant type: single nucleotide variant.
Coding change: c.325C>T on transcript NM_006230.4 (MANE Select); coding-DNA position 325, C replaced by T.
Protein change: p.Arg109Trp; replaces arginine 109 with tryptophan.
Molecular consequence: missense variant.
Genome position (GRCh38, 1-based): chr7:44,117,960, G>A on the plus strand (C>T on the coding strand, the complement: POLD2 is on the minus strand). VCF-style: chr7-44117960-G-A. GRCh37 (hg19) VCF-style: chr7-44157559-G-A.
Other names: c.325C>T (NM_001127218.1); c.325C>T, p.Arg109Trp (NM_001127218.3, NM_001256879.2); short protein forms R109W.
Identifiers: ClinVar variation 3002764 (VCV003002764.4), dbSNP rs753264722, ClinGen allele CA4238907.